The following is an entry in ClinVar:

NM_000159.4(GCDH):c.505+5G>A

Gene: GCDH (glutaryl-CoA dehydrogenase; plus strand). Cytogenetic location: 19p13.13.
Variant type: single nucleotide variant.
Coding change: c.505+5G>A on transcript NM_000159.4 (MANE Select); 5 bases into the intron after coding-DNA position 505, G replaced by A.
Molecular consequence: intron variant.
Genome position (GRCh38, 1-based): chr19:12,893,658, G>A. VCF-style: chr19-12893658-G-A. GRCh37 (hg19) VCF-style: chr19-13004472-G-A.
Other names: c.505+5G>A (NM_013976.5).
Identifiers: ClinVar variation 3906145 (VCV003906145.2).

ClinVar aggregate classification (germline): Likely pathogenic (1 of 4 stars; one submission).

Conditions:
Glutaric aciduria, type 1. Also called: GA I; Glutaryl-CoA dehydrogenase deficiency; Glutaric acidemia type I; Glutaricacidemia Type 1; Glutaricaciduria, type I; Glutaric Acidemia Type 1. Identifiers: Orphanet 25, MedGen C0268595, MONDO:0009281, OMIM 231670.

Submission:

Kasturba Medical College, Manipal, Kasturba Medical College, Manipal, Manipal Academy of Higher Education, Manipal, India
Classification: Likely pathogenic for Glutaric aciduria, type 1. Last evaluated: 2026-05-04. Review status: criteria provided, single submitter. Criteria: ACMG Guidelines, 2015. Collection method: research. Allele origin: biparental. Inheritance: Autosomal recessive inheritance. Affected: yes. Observed: 1 variant allele, 1 homozygote.
Comment: The variant is not reported in homozygous and/or heterozygous state in the gnomAD (v4.1.0) population database. The variant is absent in heterozygous state and reported in homozygous state in one individual in our in-house database of 4210 exomes. In-silico prediction tool, SpliceAI, indicated that the variant is likely to cause aberrant splicing (score- 0.91). Functional characterization by transcriptome analysis in the same in-house individual confirmed that this variant leads to aberrant splicing compared to the control samples, resulting in a 171 bp in-frame deletion corresponding to the skipping of exon 6, r.(335_505del) p.(Gly112_Leu168del). This exon-skipping event is predicted to result in an altered transcript encoding an abnormal protein product, with potential disruption of normal protein structure and function. Based on ACMG classification, this variant was classified as likely pathogenic.